The following is an entry in ClinVar:

NM_006885.4(ZFHX3):c.61C>T (p.His21Tyr)

Gene: ZFHX3 (zinc finger homeobox 3; minus strand). Cytogenetic location: 16q22.3.
Variant type: single nucleotide variant.
Coding change: c.61C>T on transcript NM_006885.4 (MANE Select); coding-DNA position 61, C replaced by T.
Protein change: p.His21Tyr; replaces histidine 21 with tyrosine.
Molecular consequence: missense variant. On other transcripts: intron variant (1).
Genome position (GRCh38, 1-based): chr16:72,960,085, G>A on the plus strand (C>T on the coding strand, the complement: ZFHX3 is on the minus strand). VCF-style: chr16-72960085-G-A. GRCh37 (hg19) VCF-style: chr16-72993984-G-A.
Other names: c.61C>T, p.His21Tyr (NM_001386735.1); c.-23-9120C>T (NM_001164766.2); short protein forms H21Y.
Identifiers: ClinVar variation 3029187 (VCV003029187.2), dbSNP rs1411518493, ClinGen allele CA396741843.

ClinVar aggregate classification (germline): Uncertain significance (0 of 4 stars; one submission).

Conditions:
ZFHX3-related disorder. Also called: ZFHX3-related condition.

Submission:

PreventionGenetics, part of Exact Sciences
Classification: Uncertain significance for ZFHX3-related condition. Last evaluated: 2023-11-16. Review status: no assertion criteria provided. Collection method: clinical testing. Allele origin: germline.
Comment: The ZFHX3 c.61C>T variant is predicted to result in the amino acid substitution p.His21Tyr. To our knowledge, this variant has not been reported in the literature or in a large population database, indicating this variant is rare. At this time, the clinical significance of this variant is uncertain due to the absence of conclusive functional and genetic evidence.